The following is an entry in ClinVar:

ClinVar aggregate classification (germline): Likely pathogenic (1 of 4 stars; one submission).

Conditions:
Cerebrooculofacioskeletal syndrome 3 (COFS3). Identifiers: MedGen C1851443, MONDO:0014696, OMIM 616570.
Xeroderma pigmentosum, group G (XPG). Also called: XERODERMA PIGMENTOSUM VII; XP, GROUP G; Xeroderma pigmentosum type 7; ERCC5-Related Xeroderma Pigmentosum. Identifiers: MedGen C0268141, MONDO:0010216, OMIM 278780.

Submission:

Juno Genomics, Hangzhou Juno Genomics, Inc
Classification: Likely pathogenic for Cerebrooculofacioskeletal syndrome 3; Xeroderma pigmentosum, group G. Review status: criteria provided, single submitter. Criteria: ACMG Guidelines, 2015. Collection method: clinical testing. Allele origin: germline.
Comment: Null variant in a gene where loss of function (LOF) is a known mechanism of disease.;Absent from controls (or at extremely low frequency if recessive) in Genome Aggregation Database.

NM_000123.4(ERCC5):c.2164G>T (p.Glu722Ter)

Genes: BIVM-ERCC5 (BIVM-ERCC5 readthrough; plus strand), ERCC5 (ERCC excision repair 5, endonuclease; plus strand), LOC126861834 (BRD4-independent group 4 enhancer GRCh37_chr13:103518038-103519237; plus strand). Cytogenetic location: 13q33.1.
Variant type: single nucleotide variant.
Coding change: c.2164G>T on transcript NM_000123.4 (MANE Select); coding-DNA position 2164, G replaced by T.
Protein change: p.Glu722Ter; replaces glutamic acid 722 with a stop codon.
Molecular consequence: nonsense.
Genome position (GRCh38, 1-based): chr13:102,865,876, G>T. VCF-style: chr13-102865876-G-T. GRCh37 (hg19) VCF-style: chr13-103518226-G-T.
Other names: c.3526G>T, p.Glu1176Ter (NM_001204425.2); short protein forms E1176*, E722*.
Identifiers: ClinVar variation 5005217 (VCV005005217.2).